The following is an entry in ClinVar:

NM_006939.4(SOS2):c.970-107T>C

Gene: SOS2 (SOS Ras/Rho guanine nucleotide exchange factor 2; minus strand). Cytogenetic location: 14q21.3.
Variant type: single nucleotide variant.
Coding change: c.970-107T>C on transcript NM_006939.4 (MANE Select); 107 bases into the intron before coding-DNA position 970, T replaced by C.
Molecular consequence: intron variant.
Genome position (GRCh38, 1-based): chr14:50,174,659, A>G on the plus strand (T>C on the coding strand, the complement: SOS2 is on the minus strand). VCF-style: chr14-50174659-A-G. GRCh37 (hg19) VCF-style: chr14-50641377-A-G.
Identifiers: ClinVar variation 561643 (VCV000561643.2), dbSNP rs73285531, ClinGen allele CA260747200.

ClinVar aggregate classification (germline): Benign. Review status: criteria provided, multiple submitters, no conflicts (2 of 4 stars). 2 submissions from 2 submitters: Benign (2). Last evaluated 2018-06-14.

Allele frequency attached by ClinVar (database versions not stated): gnomAD exomes 0.00220; gnomAD 0.01691 and 0.01817; TOPMed 0.01898; 1000 Genomes Project 0.01997; 1000 Genomes Project 30x 0.02139.
gnomAD v4.1: 3,399 of 511,934 alleles (0.66%); highest among the groups gnomAD compares: African/African-American, 5.8%; 94 homozygotes.

Submissions (2):

GeneDx
Classification: Benign. Last evaluated: 2018-06-14. Review status: criteria provided, single submitter. Criteria: GeneDx Variant Classification (06012015). Collection method: clinical testing. Allele origin: germline. Affected: yes.
Comment: This variant is considered likely benign or benign based on one or more of the following criteria: it is a conservative change, it occurs at a poorly conserved position in the protein, it is predicted to be benign by multiple in silico algorithms, and/or has population frequency not consistent with disease.

Breakthrough Genomics
Classification: Benign. Review status: criteria provided, single submitter. Criteria: ACMG Guidelines, 2015. Collection method: not provided. Allele origin: germline. Inheritance: Autosomal dominant inheritance. Affected: yes.